The following is an entry in ClinVar:

ClinVar aggregate classification (germline): Uncertain significance (1 of 4 stars; one submission).

Conditions:
Inborn genetic diseases. Identifiers: MedGen C0950123, MeSH D030342.

gnomAD v4.1: 1 of 1,613,782 alleles (0.000062%); highest among the groups gnomAD compares: African/African-American, 0.0013%; no homozygotes.

Submission:

Ambry Genetics
Classification: Uncertain significance for Inborn genetic diseases. Last evaluated: 2025-11-26. Review status: criteria provided, single submitter. Criteria: Ambry Variant Classification Scheme 2023. Collection method: clinical testing. Allele origin: germline.
Comment: The p.G636C variant (also known as c.1906G>T), located in coding exon 1 of the SAMD9 gene, results from a G to T substitution at nucleotide position 1906. The glycine at codon 636 is replaced by cysteine, an amino acid with highly dissimilar properties. This amino acid position is conserved. In addition, this alteration is predicted to be tolerated by in silico analysis. Based on the available evidence, the clinical significance of this variant remains unclear.

NM_017654.4(SAMD9):c.1906G>T (p.Gly636Cys)

Gene: SAMD9 (sterile alpha motif domain containing 9; minus strand). Cytogenetic location: 7q21.2.
Variant type: single nucleotide variant.
Coding change: c.1906G>T on transcript NM_017654.4 (MANE Select); coding-DNA position 1906, G replaced by T.
Protein change: p.Gly636Cys; replaces glycine 636 with cysteine.
Molecular consequence: missense variant.
Genome position (GRCh38, 1-based): chr7:93,104,192, C>A on the plus strand (G>T on the coding strand, the complement: SAMD9 is on the minus strand). VCF-style: chr7-93104192-C-A. GRCh37 (hg19) VCF-style: chr7-92733505-C-A.
Other names: c.1906G>T, p.Gly636Cys (NM_001193307.2); short protein forms G636C.
Identifiers: ClinVar variation 4629969 (VCV004629969.1).